The following is an entry in ClinVar:

ClinVar aggregate classification (germline): Uncertain significance. Review status: criteria provided, multiple submitters, no conflicts (2 of 4 stars). 2 submissions from 2 submitters: Uncertain significance (2). Last evaluated 2026-08-31.

Conditions:
Obesity, hyperphagia, and developmental delay (OBHD). Identifiers: Orphanet 99704, MedGen C3151303, MONDO:0013483, OMIM 613886.
NTRK2-related disorder. Also called: NTRK2-related condition.

Submissions (2):

PreventionGenetics, part of Exact Sciences
Classification: Uncertain significance for NTRK2-related condition. Last evaluated: 2026-08-31. Review status: criteria provided, single submitter. Criteria: ACMG Guidelines, 2015. Collection method: clinical testing. Allele origin: germline.
Comment: The NTRK2 c.623T>C variant is predicted to result in the amino acid substitution p.Val208Ala. To our knowledge, this variant has not been reported in the literature or in a large population database (gnomAD), indicating this variant is rare. At this time, the clinical significance of this variant is uncertain due to the absence of conclusive functional and genetic evidence.

Regional Center For Medical Genetics Timis, Louis Turcanu Emergency Hospital for Children Timisoara
Classification: Uncertain significance for Obesity, hyperphagia, and developmental delay. Last evaluated: 2025-07-16. Review status: criteria provided, single submitter. Criteria: ACMG Guidelines, 2015. Collection method: clinical testing. Allele origin: germline. Affected: yes.
Comment: The variant is absent from the presumed healthy population (gnomAD v4.1.0; good local coverage). In silico predictions support possible pathogenicity (REVEL score = 0.68). The NTRK2 gene is known to be highly intolerant to missense variation (Z score = 5.29). To our knowledge, this germline NTRK2 variant has not been previously reported in the literature in association with intellectual disability. Based on the available evidence, this variant is classified as of uncertain significance (VUS).

NM_006180.6(NTRK2):c.623T>C (p.Val208Ala)

Gene: NTRK2 (neurotrophic receptor tyrosine kinase 2; plus strand). Cytogenetic location: 9q21.33.
Variant type: single nucleotide variant.
Coding change: c.623T>C on transcript NM_006180.6 (MANE Select); coding-DNA position 623, T replaced by C.
Protein change: p.Val208Ala; replaces valine 208 with alanine.
Molecular consequence: missense variant.
Genome position (GRCh38, 1-based): chr9:84,723,612, T>C. VCF-style: chr9-84723612-T-C. GRCh37 (hg19) VCF-style: chr9-87338527-T-C.
Other names: c.623T>C (NM_006180.4); c.155T>C, p.Val52Ala (NM_001369550.1, NM_001369551.1, NM_001369552.1 and 2 more transcripts); c.623T>C, p.Val208Ala (NM_001007097.3, NM_001018064.3, NM_001018065.2 and 18 more transcripts); short protein forms V208A, V52A.
Identifiers: ClinVar variation 4526638 (VCV004526638.2).
Genomic context (GRCh38, chr9:84,723,612, plus strand): 5'-TTTACTTTTCTTGTTCCATAGGTTTGCCATCTGCAAATCTGGCCGCACCTAACCTCACTG[T>C]GGAGGAAGGAAAGTCTATCACATTATCCTGTAGTGTGGCAGGTGATCCGGTTCCTAATAT-3'
Protein context (NP_006171.2, residues 198-218): SANLAAPNLT[Val208Ala]EEGKSITLSC